The following is an entry in ClinVar:

NM_000264.5(PTCH1):c.1046A>G (p.Asn349Ser)

Gene: PTCH1 (patched 1; minus strand). Cytogenetic location: 9q22.32.
Variant type: single nucleotide variant.
Coding change: c.1046A>G on transcript NM_000264.5 (MANE Select); coding-DNA position 1046, A replaced by G.
Protein change: p.Asn349Ser; replaces asparagine 349 with serine.
Molecular consequence: missense variant. On other transcripts: non-coding transcript variant (1).
Genome position (GRCh38, 1-based): chr9:95,479,990, T>C on the plus strand (A>G on the coding strand, the complement: PTCH1 is on the minus strand). VCF-style: chr9-95479990-T-C. GRCh37 (hg19) VCF-style: chr9-98242272-T-C.
Other names: c.848A>G, p.Asn283Ser (NM_001083602.3); c.1043A>G, p.Asn348Ser (NM_001083603.3); c.593A>G, p.Asn198Ser (NM_001083604.3, NM_001083605.3, NM_001083606.3 and 1 more transcripts); c.1046A>G, p.Asn349Ser (NM_001354918.2); short protein forms N283S, N349S, N198S, N348S.
Identifiers: ClinVar variation 2196256 (VCV002196256.5), dbSNP rs1841398058, ClinGen allele CA374119602.

ClinVar aggregate classification (germline): Uncertain significance. Review status: criteria provided, multiple submitters, no conflicts (2 of 4 stars). 2 submissions from 2 submitters: Uncertain significance (2). Last evaluated 2024-06-18.

Conditions:
Hereditary cancer-predisposing syndrome. Also called: Neoplastic Syndromes, Hereditary; Hereditary Cancer Syndrome; Hereditary neoplastic syndrome; Tumor predisposition. Identifiers: Orphanet 140162, MedGen C0027672, MeSH D009386, MONDO:0015356.
Gorlin syndrome. Also called: Nevoid Basal Cell Carcinoma Syndrome; Basal cell nevus syndrome. Identifiers: Orphanet 377, MedGen C0004779, MONDO:0007187.

Allele frequency attached by ClinVar (database versions not stated): gnomAD exomes below 0.00001; gnomAD 0.00001.
gnomAD v4.1: 3 of 1,614,040 alleles (0.00019%); highest among the groups gnomAD compares: South Asian, 0.0022%; no homozygotes.

Submissions (2):

Labcorp Genetics (formerly Invitae), Labcorp
Classification: Uncertain significance for Gorlin syndrome. Last evaluated: 2024-06-18. Review status: criteria provided, single submitter. Criteria: Invitae Variant Classification Sherloc (09022015). Collection method: clinical testing. Allele origin: germline.
Comment: This sequence change replaces asparagine, which is neutral and polar, with serine, which is neutral and polar, at codon 349 of the PTCH1 protein (p.Asn349Ser). This variant is not present in population databases (gnomAD no frequency). This variant has not been reported in the literature in individuals affected with PTCH1-related conditions. ClinVar contains an entry for this variant (Variation ID: 2196256). Advanced modeling of protein sequence and biophysical properties (such as structural, functional, and spatial information, amino acid conservation, physicochemical variation, residue mobility, and thermodynamic stability) performed at Invitae indicates that this missense variant is not expected to disrupt PTCH1 protein function with a negative predictive value of 95%. In summary, the available evidence is currently insufficient to determine the role of this variant in disease. Therefore, it has been classified as a Variant of Uncertain Significance.

Ambry Genetics
Classification: Uncertain significance for Hereditary cancer-predisposing syndrome. Last evaluated: 2023-03-02. Review status: criteria provided, single submitter. Criteria: Ambry Variant Classification Scheme 2023. Collection method: clinical testing. Allele origin: germline.
Comment: The p.N349S variant (also known as c.1046A>G), located in coding exon 7 of the PTCH1 gene, results from an A to G substitution at nucleotide position 1046. The asparagine at codon 349 is replaced by serine, an amino acid with highly similar properties. This amino acid position is conserved. In addition, this alteration is predicted to be tolerated by in silico analysis. Since supporting evidence is limited at this time, the clinical significance of this alteration remains unclear.